The following is an entry in ClinVar:

ClinVar aggregate classification (germline): Conflicting classifications of pathogenicity. Review status: criteria provided, conflicting classifications (1 of 4 stars). 2 submissions from 2 submitters: Uncertain significance (1); Likely benign (1). Last evaluated 2024-07-30.

Conditions:
Cardiovascular phenotype. Identifiers: MedGen CN230736.

Allele frequency attached by ClinVar (database versions not stated): gnomAD exomes below 0.00001; TOPMed below 0.00001; gnomAD 0.00001.
gnomAD v4.1: 2 of 1,614,024 alleles (0.00012%); highest among the groups gnomAD compares: African/African-American, 0.0027%; no homozygotes.

Submissions (2):

Labcorp Genetics (formerly Invitae), Labcorp
Classification: Uncertain significance. Last evaluated: 2024-07-30. Review status: criteria provided, single submitter. Criteria: Invitae Variant Classification Sherloc (09022015). Collection method: clinical testing. Allele origin: germline.
Comment: This sequence change replaces serine, which is neutral and polar, with arginine, which is basic and polar, at codon 1657 of the ALPK3 protein (p.Ser1657Arg). This variant is not present in population databases (gnomAD no frequency). This variant has not been reported in the literature in individuals affected with ALPK3-related conditions. ClinVar contains an entry for this variant (Variation ID: 1416548). An algorithm developed to predict the effect of missense changes on protein structure and function (PolyPhen-2) suggests that this variant is likely to be disruptive. In summary, the available evidence is currently insufficient to determine the role of this variant in disease. Therefore, it has been classified as a Variant of Uncertain Significance.

Ambry Genetics
Classification: Likely benign for Cardiovascular phenotype. Last evaluated: 2024-05-20. Review status: criteria provided, single submitter. Criteria: Ambry Variant Classification Scheme 2023. Collection method: clinical testing. Allele origin: germline.

NM_020778.5(ALPK3):c.4365C>G (p.Ser1455Arg)

Gene: ALPK3 (alpha kinase 3; plus strand). Cytogenetic location: 15q25.3.
Variant type: single nucleotide variant.
Coding change: c.4365C>G on transcript NM_020778.5 (MANE Select); coding-DNA position 4365, C replaced by G.
Protein change: p.Ser1455Arg; replaces serine 1455 with arginine.
Molecular consequence: missense variant.
Genome position (GRCh38, 1-based): chr15:84,862,870, C>G. VCF-style: chr15-84862870-C-G. GRCh37 (hg19) VCF-style: chr15-85406101-C-G.
Other names: c.4971C>G (NM_020778.4); short protein forms S1455R.
Identifiers: ClinVar variation 1416548 (VCV001416548.8), dbSNP rs1018928368, ClinGen allele CA273631475.